The following is an entry in ClinVar:

ClinVar aggregate classification (germline): Uncertain significance. Review status: criteria provided, multiple submitters, no conflicts (2 of 4 stars). 5 submissions from 5 submitters: Uncertain significance (5). Last evaluated 2022-10-05.

Conditions:
ALG12-congenital disorder of glycosylation (CDG1G). Also called: CDG Ig; Congenital disorder of glycosylation, type Ig; ALG12-CDG. Identifiers: Orphanet 79324, MedGen C2931001, MONDO:0011783, OMIM 607143.

Allele frequency attached by ClinVar (database versions not stated): ESP Exome Variant Server 0.00008; gnomAD exomes 0.00008 and 0.00005; TOPMed 0.00005; ExAC 0.00007; gnomAD 0.00004 and 0.00003.
gnomAD v4.1: 133 of 1,614,032 alleles (0.0082%); highest among the groups gnomAD compares: Middle Eastern, 0.84%; 1 homozygote.

Submissions (5):

Labcorp Genetics (formerly Invitae), Labcorp
Classification: Uncertain significance for ALG12-congenital disorder of glycosylation. Last evaluated: 2022-10-05. Review status: criteria provided, single submitter. Criteria: Invitae Variant Classification Sherloc (09022015). Collection method: clinical testing. Allele origin: germline.
Comment: This sequence change replaces alanine, which is neutral and non-polar, with valine, which is neutral and non-polar, at codon 290 of the ALG12 protein (p.Ala290Val). This variant is present in population databases (rs201508940, gnomAD 0.01%). This variant has not been reported in the literature in individuals affected with ALG12-related conditions. ClinVar contains an entry for this variant (Variation ID: 96101). Advanced modeling of protein sequence and biophysical properties (such as structural, functional, and spatial information, amino acid conservation, physicochemical variation, residue mobility, and thermodynamic stability) performed at Invitae indicates that this missense variant is not expected to disrupt ALG12 protein function. In summary, the available evidence is currently insufficient to determine the role of this variant in disease. Therefore, it has been classified as a Variant of Uncertain Significance.

AiLife Diagnostics
Classification: Uncertain significance. Last evaluated: 2022-03-30. Review status: criteria provided, single submitter. Criteria: ACMG Guidelines, 2015. Collection method: clinical testing. Allele origin: germline. Affected: yes. Observed: 1 variant allele.

Illumina Laboratory Services, Illumina
Classification: Uncertain significance for ALG12-congenital disorder of glycosylation. Last evaluated: 2018-01-13. Review status: criteria provided, single submitter. Criteria: ICSL Variant Classification Criteria 13 December 2019. Collection method: clinical testing. Allele origin: germline.

Eurofins Ntd Llc (ga)
Classification: Uncertain significance. Last evaluated: 2012-12-03. Review status: criteria provided, single submitter. Criteria: EGL Classification Definitions 2015. Collection method: clinical testing. Allele origin: germline. Observed: 2 variant alleles, 2 heterozygotes.

Breakthrough Genomics
Classification: Uncertain significance. Review status: criteria provided, single submitter. Criteria: ACMG Guidelines, 2015. Collection method: not provided. Allele origin: germline. Inheritance: Autosomal dominant inheritance. Affected: yes.

NM_024105.4(ALG12):c.869C>T (p.Ala290Val)

Gene: ALG12 (ALG12 alpha-1,6-mannosyltransferase; minus strand). Cytogenetic location: 22q13.33.
Variant type: single nucleotide variant.
Coding change: c.869C>T on transcript NM_024105.4 (MANE Select); coding-DNA position 869, C replaced by T.
Protein change: p.Ala290Val; replaces alanine 290 with valine.
Molecular consequence: missense variant.
Genome position (GRCh38, 1-based): chr22:49,907,844, G>A on the plus strand (C>T on the coding strand, the complement: ALG12 is on the minus strand). VCF-style: chr22-49907844-G-A. GRCh37 (hg19) VCF-style: chr22-50301492-G-A.
Other names: short protein forms A290V.
Identifiers: ClinVar variation 96101 (VCV000096101.14), dbSNP rs201508940, ClinGen allele CA223735.